The following is an entry in ClinVar:

ClinVar aggregate classification (germline): Conflicting classifications of pathogenicity. Review status: criteria provided, conflicting classifications (1 of 4 stars). 3 submissions from 3 submitters: Uncertain significance (1); Likely benign (2). Last evaluated 2026-01-11.

Conditions:
Hereditary cancer-predisposing syndrome. Also called: Neoplastic Syndromes, Hereditary; Hereditary Cancer Syndrome; Hereditary neoplastic syndrome; Tumor predisposition. Identifiers: Orphanet 140162, MedGen C0027672, MeSH D009386, MONDO:0015356.

Allele frequency attached by ClinVar (database versions not stated): gnomAD exomes 0.00001.
gnomAD v4.1: 3 of 1,614,024 alleles (0.00019%); no homozygotes.

Submissions (3):

Labcorp Genetics (formerly Invitae), Labcorp
Classification: Likely benign. Last evaluated: 2026-01-11. Review status: criteria provided, single submitter. Criteria: Invitae Variant Classification Sherloc (09022015). Collection method: clinical testing. Allele origin: germline.

GeneDx
Classification: Uncertain significance. Last evaluated: 2020-01-20. Review status: criteria provided, single submitter. Criteria: GeneDx Variant Classification (06012015). Collection method: clinical testing. Allele origin: germline. Affected: yes.
Comment: Not observed in large population cohorts (Lek 2016) In silico analysis, which includes splice predictors and evolutionary conservation, supports that this variant does not alter protein structure/function Has not been previously published as pathogenic or benign to our knowledge

Ambry Genetics
Classification: Likely benign for Hereditary cancer-predisposing syndrome. Last evaluated: 2018-03-29. Review status: criteria provided, single submitter. Criteria: Ambry Variant Classification Scheme 2023. Collection method: clinical testing. Allele origin: germline.

NM_006231.4(POLE):c.6192C>T (p.Phe2064=)

Gene: POLE (DNA polymerase epsilon, catalytic subunit; minus strand). Cytogenetic location: 12q24.33.
Variant type: single nucleotide variant.
Coding change: c.6192C>T on transcript NM_006231.4 (MANE Select); coding-DNA position 6192, C replaced by T.
Protein change: p.Phe2064=; no amino-acid change (phenylalanine 2064 retained).
Molecular consequence: synonymous variant.
Genome position (GRCh38, 1-based): chr12:132,632,453, G>A on the plus strand (C>T on the coding strand, the complement: POLE is on the minus strand). VCF-style: chr12-132632453-G-A. GRCh37 (hg19) VCF-style: chr12-133209039-G-A.
Identifiers: ClinVar variation 540833 (VCV000540833.14), dbSNP rs1555220905, ClinGen allele CA482848795.